The following is an entry in ClinVar:

ClinVar aggregate classification (germline): Pathogenic (1 of 4 stars; one submission).

Submission:

Labcorp Genetics (formerly Invitae), Labcorp
Classification: Pathogenic. Last evaluated: 2023-08-17. Review status: criteria provided, single submitter. Criteria: Invitae Variant Classification Sherloc (09022015). Collection method: clinical testing. Allele origin: germline.
Comment: This variant is not present in population databases (gnomAD no frequency). For these reasons, this variant has been classified as Pathogenic. Algorithms developed to predict the effect of sequence changes on RNA splicing suggest that this variant may disrupt the consensus splice site. Disruption of this splice site has been observed in individual(s) with CDHR1-related conditions (PMID: 31387115). In at least one individual the data is consistent with being in trans (on the opposite chromosome) from a pathogenic variant. This sequence change affects a donor splice site in intron 5 of the CDHR1 gene. It is expected to disrupt RNA splicing. Variants that disrupt the donor or acceptor splice site typically lead to a loss of protein function (PMID: 16199547), and loss-of-function variants in CDHR1 are known to be pathogenic (PMID: 23044944, 23591405, 26103963, 26261414).

Literature cited by the submitters: PubMed 31387115; PubMed 16199547; PubMed 23044944; PubMed 23591405; PubMed 26103963; PubMed 26261414.

NM_033100.4(CDHR1):c.438+1G>A

Gene: CDHR1 (cadherin related family member 1; plus strand). Cytogenetic location: 10q23.1.
Variant type: single nucleotide variant.
Coding change: c.438+1G>A on transcript NM_033100.4 (MANE Select); the canonical splice donor site of the intron after coding-DNA position 438, G replaced by A.
Molecular consequence: splice donor variant.
Genome position (GRCh38, 1-based): chr10:84,199,122, G>A. VCF-style: chr10-84199122-G-A. GRCh37 (hg19) VCF-style: chr10-85958878-G-A.
Other names: c.438+1G>A (NM_001171971.3).
Identifiers: ClinVar variation 2907400 (VCV002907400.3), dbSNP rs2492479034, ClinGen allele CA377371131.